The following is an entry in ClinVar:

NM_000080.4(CHRNE):c.202G>A (p.Glu68Lys)

Genes: C17orf107 (chromosome 17 open reading frame 107; plus strand), CHRNE (cholinergic receptor nicotinic epsilon subunit; minus strand). Cytogenetic location: 17p13.2.
Variant type: single nucleotide variant.
Coding change: c.202G>A on transcript NM_000080.4 (MANE Select); coding-DNA position 202, G replaced by A.
Protein change: p.Glu68Lys; replaces glutamic acid 68 with lysine.
Molecular consequence: missense variant. On other transcripts: 3 prime UTR variant (1).
Genome position (GRCh38, 1-based): chr17:4,902,482, C>T on the plus strand (G>A on the coding strand, the complement: CHRNE is on the minus strand). VCF-style: chr17-4902482-C-T. GRCh37 (hg19) VCF-style: chr17-4805777-C-T.
Other names: c.*1949C>T (NM_001145536.2); short protein forms E68K.
Identifiers: ClinVar variation 1015199 (VCV001015199.5), dbSNP rs149766604, ClinGen allele CA8314576.
Genomic context (GRCh38, chr17:4,902,482, plus strand): 5'-CTCACACCATTCCCCAGATTTGACTCACGATTCCAATCCAGACGCTAGTGGTGAGAGTCT[C>T]CTCTTTTTCATTCTGCAGATGGGAGATGGGGATGATTGAAGTGAGATTTCAGGGCCAGAA-3'
Protein context (NP_000071.1, residues 58-78): TNLISLNEKE[Glu68Lys]TLTTSVWIGI

ClinVar aggregate classification (germline): Uncertain significance. Review status: criteria provided, single submitter (1 of 4 stars). 2 submissions from 2 submitters: Uncertain significance (1). 1 of the submissions does not count toward it. Last evaluated 2024-12-23.

Conditions:
Congenital myasthenic syndrome (CMS). Also called: Congenital Myasthenic Syndromes. Identifiers: Orphanet 590, MedGen C0751882, MeSH D020294, MONDO:0018940.
Congenital myasthenic syndrome 4A. Also called: Myasthenic syndrome, congenital, 4a, slow-channel; CONGENITAL MYASTHENIC SYNDROME TYPE Ia1; MYASTHENIC SYNDROME, CONGENITAL, 4A, SLOW-CHANNEL, AUTOSOMAL RECESSIVE. Identifiers: Orphanet 590, MedGen C4225413, MONDO:0011600, OMIM 605809.

Allele frequency attached by ClinVar (database versions not stated): TOPMed 0.00003.
gnomAD v4.1: 21 of 1,614,034 alleles (0.0013%); highest among the groups gnomAD compares: Non-Finnish European, 0.0018%; no homozygotes.

Submissions (2):

Labcorp Genetics (formerly Invitae), Labcorp
Classification: Uncertain significance for Congenital myasthenic syndrome 4A. Last evaluated: 2024-12-23. Review status: criteria provided, single submitter. Criteria: Invitae Variant Classification Sherloc (09022015). Collection method: clinical testing. Allele origin: germline.
Comment: This sequence change replaces glutamic acid, which is acidic and polar, with lysine, which is basic and polar, at codon 68 of the CHRNE protein (p.Glu68Lys). This variant is present in population databases (rs149766604, gnomAD 0.003%). This variant has not been reported in the literature in individuals affected with CHRNE-related conditions. ClinVar contains an entry for this variant (Variation ID: 1015199). Invitae Evidence Modeling of protein sequence and biophysical properties (such as structural, functional, and spatial information, amino acid conservation, physicochemical variation, residue mobility, and thermodynamic stability) indicates that this missense variant is expected to disrupt CHRNE protein function with a positive predictive value of 95%. In summary, the available evidence is currently insufficient to determine the role of this variant in disease. Therefore, it has been classified as a Variant of Uncertain Significance.

Natera, Inc.
Classification: Uncertain significance for Congenital myasthenic syndrome. Last evaluated: 2021-03-04. Review status: no assertion criteria provided. Collection method: clinical testing. Allele origin: germline. Not counted in ClinVar's aggregate classification.